The following is an entry in ClinVar:

NM_018192.4(P3H2):c.29TGC[4] (p.Leu14del)

Genes: P3H2 (prolyl 3-hydroxylase 2; minus strand), LOC123464484 (Sharpr-MPRA regulatory region 10063; plus strand). Cytogenetic location: 3q28.
Variant type: Microsatellite.
Coding change: c.29TGC[4] on transcript NM_018192.4 (MANE Select); four copies in a row of the 3-base unit TGC starting at c.29; the reference has five copies in a row; one copy, 3 bases deleted.
Protein change: p.Leu14del; deletes leucine 14.
Molecular consequence: intron variant (on NM_001134418.2).
Genome position (GRCh38, 1-based): chr3:190,120,689-190,120,691, GCA deleted on the plus strand (TGC on the coding strand, the reverse complement: P3H2 is on the minus strand); deleting any 3 consecutive bases within chr3:190,120,689-190,120,705 gives the same sequence; the position shown is the placement nearest the transcript's 3' end. VCF-style (leftmost placement, unchanged base first): chr3-190120688-GGCA-G. GRCh37 (hg19) VCF-style: chr3-189838477-GGCA-G.
Other names: c.-64+1500TGC[4] (NM_001134418.2); short protein forms L14del.
Identifiers: ClinVar variation 3703188 (VCV003703188.1).

ClinVar aggregate classification (germline): Uncertain significance (1 of 4 stars; one submission).

Submission:

Labcorp Genetics (formerly Invitae), Labcorp
Classification: Uncertain significance. Last evaluated: 2024-02-10. Review status: criteria provided, single submitter. Criteria: Invitae Variant Classification Sherloc (09022015). Collection method: clinical testing. Allele origin: germline.
Comment: This variant, c.41_43del, results in the deletion of 1 amino acid(s) of the P3H2 protein (p.Leu14del), but otherwise preserves the integrity of the reading frame. The frequency data for this variant in the population databases is considered unreliable, as metrics indicate poor data quality at this position in the gnomAD database. This variant has not been reported in the literature in individuals affected with P3H2-related conditions. Experimental studies and prediction algorithms are not available or were not evaluated, and the functional significance of this variant is currently unknown. In summary, the available evidence is currently insufficient to determine the role of this variant in disease. Therefore, it has been classified as a Variant of Uncertain Significance.